The following is an entry in ClinVar:

ClinVar aggregate classification (germline): Benign (1 of 4 stars; one submission).

Conditions:
Leigh syndrome (NULS). Also called: Leigh's necrotizing encephalopathy; Leigh's disease; Leigh Syndrome (mtDNA deletion); Leigh Disease; Subacute necrotizing encephalopathy; Necrotizing encephalopathy infantile subacute of Leigh. Identifiers: Orphanet 506, MedGen C2931891, MONDO:0009723, OMIM 256000.

Submission:

Wong Mito Lab, Molecular and Human Genetics, Baylor College of Medicine
Classification: Benign for Leigh syndrome. Last evaluated: 2019-10-17. Review status: criteria provided, single submitter. Criteria: Modified ACMG Guidelines (Unpublished). Collection method: clinical testing. Allele origin: germline.
Comment: The NC_012920.1:m.8463A>G (YP_003024030.1:p.Tyr33Cys) variant in MTATP8 gene is interpretated to be a Benign variant based on the modified ACMG guidelines (unpublished). This variant meets the following evidence codes: BS1, BS4

NC_012920.1(MT-ATP8):m.8463A>G

Gene: MT-ATP8 (mitochondrially encoded ATP synthase 8; plus strand).
Variant type: single nucleotide variant.
Genome position: chrM-8463-A-G.
Identifiers: ClinVar variation 692865 (VCV000692865.1), dbSNP rs1603221498, ClinGen allele CA414796207.